The following is an entry in ClinVar:

NM_017780.4(CHD7):c.4132G>C (p.Ala1378Pro)

Gene: CHD7 (chromodomain helicase DNA binding protein 7; plus strand). Cytogenetic location: 8q12.2.
Variant type: single nucleotide variant.
Coding change: c.4132G>C on transcript NM_017780.4 (MANE Select); coding-DNA position 4132, G replaced by C.
Protein change: p.Ala1378Pro; replaces alanine 1378 with proline.
Molecular consequence: missense variant. On other transcripts: intron variant (1).
Genome position (GRCh38, 1-based): chr8:60,836,959, G>C. VCF-style: chr8-60836959-G-C. GRCh37 (hg19) VCF-style: chr8-61749518-G-C.
Other names: c.1717-25270G>C (NM_001316690.1); short protein forms A1378P.
Identifiers: ClinVar variation 3062166 (VCV003062166.2), dbSNP rs2487904295, ClinGen allele CA371316906.
Genomic context (GRCh38, chr8:60,836,959, plus strand): 5'-GATAGGTTTGTTTTCCTCCTGTGTACAAGGGCAGGAGGTTTAGGCATTAACCTCACTGCT[G>C]CTGATACCTGCATCATCTTTGATTCAGACTGGAATCCCCAAAATGACCTCCAGGTAAATG-3'
Protein context (NP_060250.2, residues 1368-1388): AGGLGINLTA[Ala1378Pro]DTCIIFDSDW

ClinVar aggregate classification (germline): Pathogenic (1 of 4 stars; one submission).

Submission:

Centre of Medical Genetics, University Hospital Muenster
Classification: Pathogenic. Last evaluated: 2022-05-12. Review status: criteria provided, single submitter. Criteria: ACMG Guidelines, 2015. Collection method: clinical testing. Allele origin: unknown. Affected: yes. Observed: 1 variant allele, 1 heterozygote.
Comment: ACMG categories: PS5,PM1,PM2,PP3,PP4,BP1